The following is an entry in ClinVar:

NM_001035.3(RYR2):c.1510C>T (p.Arg504Cys)

Gene: RYR2 (ryanodine receptor 2; plus strand). Cytogenetic location: 1q43.
Variant type: single nucleotide variant.
Coding change: c.1510C>T on transcript NM_001035.3 (MANE Select); coding-DNA position 1510, C replaced by T.
Protein change: p.Arg504Cys; replaces arginine 504 with cysteine.
Molecular consequence: missense variant.
Genome position (GRCh38, 1-based): chr1:237,456,633, C>T. VCF-style: chr1-237456633-C-T. GRCh37 (hg19) VCF-style: chr1-237619933-C-T.
Other names: c.1510C>T, p.Arg504Cys (LRG_402t1); short protein forms R504C.
Identifiers: ClinVar variation 649368 (VCV000649368.18), dbSNP rs373502556, ClinGen allele CA085796.

ClinVar aggregate classification (germline): Uncertain significance. Review status: criteria provided, multiple submitters, no conflicts (2 of 4 stars). 6 submissions from 6 submitters: Uncertain significance (6). Last evaluated 2026-04-13.

Conditions:
Cardiovascular phenotype. Identifiers: MedGen CN230736.
Ventricular arrhythmias due to cardiac ryanodine receptor calcium release deficiency syndrome. Also called: Autosomal dominant cardiac arrhythmia (Kuhn). Identifiers: MedGen C5542154, MONDO:0020745, OMIM 115000.
Catecholaminergic polymorphic ventricular tachycardia 1. Also called: VENTRICULAR TACHYCARDIA, CATECHOLAMINERGIC POLYMORPHIC, 1, WITH OR WITHOUT ATRIAL DYSFUNCTION AND/OR DILATED CARDIOMYOPATHY; RYR2-Related Catecholaminergic Polymorphic Ventricular Tachycardia; VENTRICULAR TACHYCARDIA, STRESS-INDUCED POLYMORPHIC 1. Identifiers: Orphanet 3286, MedGen C1631597, MONDO:0011484, OMIM 604772.
Arrhythmogenic right ventricular dysplasia 2. Identifiers: MedGen C1832931.
Catecholaminergic polymorphic ventricular tachycardia (CVPT). Also called: Catecholamine-induced polymorphic ventricular tachycardia. Identifiers: Orphanet 3286, MedGen C5574922, MONDO:0017990.
Cardiomyopathy (CMYO). Also called: Cardiomyopathies. Identifiers: Orphanet 167848, MedGen C0878544, MONDO:0004994, HP:0001638. Inheritance: Various modes of inheritance.

Allele frequency attached by ClinVar (database versions not stated): ExAC 0.00001; gnomAD exomes below 0.00001.
gnomAD v4.1: 6 of 1,605,006 alleles (0.00037%); highest among the groups gnomAD compares: South Asian, 0.0022%; no homozygotes.

Submissions (6):

Ambry Genetics
Classification: Uncertain significance for Cardiovascular phenotype. Last evaluated: 2026-04-13. Review status: criteria provided, single submitter. Criteria: Ambry Variant Classification Scheme 2023. Collection method: clinical testing. Allele origin: germline.
Comment: The p.R504C variant (also known as c.1510C>T), located in coding exon 16 of the RYR2 gene, results from a C to T substitution at nucleotide position 1510. The arginine at codon 504 is replaced by cysteine, an amino acid with highly dissimilar properties. This amino acid position is highly conserved in available vertebrate species. In addition, this alteration is predicted to be deleterious by in silico analysis. Based on the available evidence, the clinical significance of this variant remains unclear.

GeneDx
Classification: Uncertain significance. Last evaluated: 2025-08-15. Review status: criteria provided, single submitter. Criteria: GeneDx Variant Classification Process June 2021. Collection method: clinical testing. Allele origin: germline. Affected: yes.
Comment: Not observed at significant frequency in large population cohorts (gnomAD); In silico analysis supports that this missense variant has a deleterious effect on protein structure/function; Has not been previously published as pathogenic or benign to our knowledge; This variant is associated with the following publications: (PMID: 39020067, 19926015)

Color Diagnostics, LLC DBA Color Health
Classification: Uncertain significance for Cardiomyopathy. Last evaluated: 2024-03-06. Review status: criteria provided, single submitter. Criteria: ACMG Guidelines, 2015. Collection method: clinical testing. Allele origin: germline.
Comment: This missense variant replaces arginine with cysteine at codon 504 of the RYR2 protein. Computational prediction suggests that this variant may have deleterious impact on protein structure and function (internally defined REVEL score threshold >= 0.7, PMID: 27666373). To our knowledge, functional studies have not been reported for this variant. This variant has not been reported in individuals affected with RYR2-related disorders in the literature. This variant has been identified in 1/245242 chromosomes in the general population by the Genome Aggregation Database (gnomAD). The available evidence is insufficient to determine the role of this variant in disease conclusively. Therefore, this variant is classified as a Variant of Uncertain Significance.

All of Us Research Program, National Institutes of Health
Classification: Uncertain significance for Catecholaminergic polymorphic ventricular tachycardia. Last evaluated: 2024-02-05. Review status: criteria provided, single submitter. Criteria: ACMG Guidelines, 2015. Collection method: clinical testing. Allele origin: germline. Inheritance: Autosomal dominant inheritance. Observed: 5 variant alleles, 5 heterozygotes.
Comment: This missense variant replaces arginine with cysteine at codon 504 of the RYR2 protein. Computational prediction suggests that this variant may have deleterious impact on protein structure and function (internally defined REVEL score threshold >= 0.7, PMID: 27666373). To our knowledge, functional studies have not been reported for this variant. This variant has not been reported in individuals affected with cardiovascular disorders in the literature. This variant has been identified in 1/245242 chromosomes in the general population by the Genome Aggregation Database (gnomAD). The available evidence is insufficient to determine the role of this variant in disease conclusively. Therefore, this variant is classified as a Variant of Uncertain Significance.

This study involves interpretation of variants in research participants for the purpose of population health screening. Participant phenotype was not available at the time of variant classification. Additional details can be found in publication PMID: 35346344, PMCID: PMC8962531

Labcorp Genetics (formerly Invitae), Labcorp
Classification: Uncertain significance for Catecholaminergic polymorphic ventricular tachycardia 1. Last evaluated: 2022-03-18. Review status: criteria provided, single submitter. Criteria: Invitae Variant Classification Sherloc (09022015). Collection method: clinical testing. Allele origin: germline.
Comment: In summary, the available evidence is currently insufficient to determine the role of this variant in disease. Therefore, it has been classified as a Variant of Uncertain Significance. This sequence change replaces arginine, which is basic and polar, with cysteine, which is neutral and slightly polar, at codon 504 of the RYR2 protein (p.Arg504Cys). The frequency data for this variant in the population databases is considered unreliable, as metrics indicate poor data quality at this position in the gnomAD database. This variant has not been reported in the literature in individuals affected with RYR2-related conditions. ClinVar contains an entry for this variant (Variation ID: 649368). Advanced modeling of protein sequence and biophysical properties (such as structural, functional, and spatial information, amino acid conservation, physicochemical variation, residue mobility, and thermodynamic stability) performed at Invitae indicates that this missense variant is expected to disrupt RYR2 protein function.

Fulgent Genetics
Classification: Uncertain significance for Ventricular arrhythmias due to cardiac ryanodine receptor calcium release deficiency syndrome; Catecholaminergic polymorphic ventricular tachycardia 1. Last evaluated: 2021-09-01. Review status: criteria provided, single submitter. Criteria: ACMG Guidelines, 2015. Collection method: clinical testing. Allele origin: unknown.